The following is an entry in ClinVar:

ClinVar aggregate classification (germline): Uncertain significance. Review status: criteria provided, multiple submitters, no conflicts (2 of 4 stars). 2 submissions from 2 submitters: Uncertain significance (2). Last evaluated 2022-01-19.

Conditions:
Pterin-4 alpha-carbinolamine dehydratase 1 deficiency. Also called: CADH DEFICIENCY; HYPERPHENYLALANINEMIA WITH PRIMAPTERINURIA; HYPERPHENYLALANINEMIA, TETRAHYDROBIOPTERIN-DEFICIENT, DUE TO PTERIN-4-ALPHA-CARBINOLAMINE DEHYDRATASE DEFICIENCY; Hyperphenylalaninemia due to dehydratase deficiency. Identifiers: Orphanet 1578, Orphanet 238583, MedGen C1849700, MONDO:0009908, OMIM 264070.

Allele frequency attached by ClinVar (database versions not stated): TOPMed below 0.00001; ExAC 0.00001; gnomAD 0.00001; gnomAD exomes 0.00001.
gnomAD v4.1: 8 of 1,613,980 alleles (0.0005%); highest among the groups gnomAD compares: Non-Finnish European, 0.00068%; no homozygotes.

Submissions (2):

Fulgent Genetics
Classification: Uncertain significance for Pterin-4 alpha-carbinolamine dehydratase 1 deficiency. Last evaluated: 2022-01-19. Review status: criteria provided, single submitter. Criteria: ACMG Guidelines, 2015. Collection method: clinical testing. Allele origin: unknown.

Labcorp Genetics (formerly Invitae), Labcorp
Classification: Uncertain significance for Pterin-4 alpha-carbinolamine dehydratase 1 deficiency. Last evaluated: 2021-09-01. Review status: criteria provided, single submitter. Criteria: Invitae Variant Classification Sherloc (09022015). Collection method: clinical testing. Allele origin: germline.
Comment: This sequence change replaces leucine with proline at codon 60 of the PCBD1 protein (p.Leu60Pro). The leucine residue is moderately conserved and there is a moderate physicochemical difference between leucine and proline. The frequency data for this variant in the population databases is considered unreliable, as metrics indicate poor data quality at this position in the ExAC database. This variant has not been reported in the literature in individuals affected with PCBD1-related conditions. Algorithms developed to predict the effect of missense changes on protein structure and function (SIFT, PolyPhen-2, Align-GVGD) all suggest that this variant is likely to be disruptive. In summary, the available evidence is currently insufficient to determine the role of this variant in disease. Therefore, it has been classified as a Variant of Uncertain Significance.

NM_000281.4(PCBD1):c.179T>C (p.Leu60Pro)

Gene: PCBD1 (pterin-4 alpha-carbinolamine dehydratase 1; minus strand). Cytogenetic location: 10q22.1.
Variant type: single nucleotide variant.
Coding change: c.179T>C on transcript NM_000281.4 (MANE Select); coding-DNA position 179, T replaced by C.
Protein change: p.Leu60Pro; replaces leucine 60 with proline.
Molecular consequence: missense variant.
Genome position (GRCh38, 1-based): chr10:70,885,189, A>G on the plus strand (T>C on the coding strand, the complement: PCBD1 is on the minus strand). VCF-style: chr10-70885189-A-G. GRCh37 (hg19) VCF-style: chr10-72644946-A-G.
Other names: c.32T>C, p.Leu11Pro (NM_001289797.2); c.179T>C, p.Leu60Pro (NM_001323004.2); short protein forms L60P, L11P.
Identifiers: ClinVar variation 533871 (VCV000533871.7), dbSNP rs768330993, ClinGen allele CA5541608.
Genomic context (GRCh38, chr10:70,885,189, plus strand): 5'-CAGAGGCACACAGCATCACTCACCTTGTTGTACACGTTAAACCATTCAGGATGGTGGTCC[A>G]GTTTCTCAGCCTGCAGGGCCACTCTTGTCATGAACCCAAAGGCCTATTTAAGTGGAGTGA-3'
Protein context (NP_000272.1, residues 50-70): MTRVALQAEK[Leu60Pro]DHHPEWFNVY